The following is an entry in ClinVar:

NM_001244926.2(PRPF4):c.690T>G (p.Asp230Glu)

Gene: PRPF4 (pre-mRNA splicing tri-snRNP complex factor PRPF4; plus strand). Cytogenetic location: 9q32.
Variant type: single nucleotide variant.
Coding change: c.690T>G on transcript NM_001244926.2 (MANE Select); coding-DNA position 690, T replaced by G.
Protein change: p.Asp230Glu; replaces aspartic acid 230 with glutamic acid.
Molecular consequence: missense variant. On other transcripts: 5 prime UTR variant (2), non-coding transcript variant (2).
Genome position (GRCh38, 1-based): chr9:113,284,330, T>G. VCF-style: chr9-113284330-T-G. GRCh37 (hg19) VCF-style: chr9-116046610-T-G.
Other names: c.-76T>G (NM_001322266.2, NM_001322267.2); c.693T>G, p.Asp231Glu (NM_004697.5); short protein forms D230E, D231E.
Identifiers: ClinVar variation 1379194 (VCV001379194.6), dbSNP rs2118619027, ClinGen allele CA374553623.
Genomic context (GRCh38, chr9:113,284,330, plus strand): 5'-TGTGTGTATTTTTTTTCTTTTTAAGTCTTTGAATAATTTTTGCAGTCAGATTGGGGATGA[T>G]CGGCCTATCTCCTACTGTCACTTTAGTCCCAATTCCAAGATGCTGGCCACAGCTTGTTGG-3'
Protein context (NP_001231855.1, residues 220-240): LNNFCSQIGD[Asp230Glu]RPISYCHFSP

ClinVar aggregate classification (germline): Uncertain significance (1 of 4 stars; one submission).

Submission:

Labcorp Genetics (formerly Invitae), Labcorp
Classification: Uncertain significance. Last evaluated: 2021-09-03. Review status: criteria provided, single submitter. Criteria: Invitae Variant Classification Sherloc (09022015). Collection method: clinical testing. Allele origin: germline.
Comment: This sequence change replaces aspartic acid with glutamic acid at codon 231 of the PRPF4 protein (p.Asp231Glu). The aspartic acid residue is moderately conserved and there is a small physicochemical difference between aspartic acid and glutamic acid. This variant is not present in population databases (ExAC no frequency). This variant has not been reported in the literature in individuals affected with PRPF4-related conditions. Algorithms developed to predict the effect of missense changes on protein structure and function (SIFT, PolyPhen-2, Align-GVGD) all suggest that this variant is likely to be tolerated. In summary, the available evidence is currently insufficient to determine the role of this variant in disease. Therefore, it has been classified as a Variant of Uncertain Significance.